The following is an entry in ClinVar:

NM_003630.3(PEX3):c.-4A>G

Gene: PEX3 (peroxisomal biogenesis factor 3; plus strand). Cytogenetic location: 6q24.2.
Variant type: single nucleotide variant.
Coding change: c.-4A>G on transcript NM_003630.3 (MANE Select); 4 bases upstream of the start codon, A replaced by G.
Molecular consequence: 5 prime UTR variant.
Genome position (GRCh38, 1-based): chr6:143,451,039, A>G. VCF-style: chr6-143451039-A-G. GRCh37 (hg19) VCF-style: chr6-143772176-A-G.
Identifiers: ClinVar variation 259104 (VCV000259104.17), dbSNP rs116692495, ClinGen allele CA4029419.

ClinVar aggregate classification (germline): Benign/Likely benign. Review status: criteria provided, multiple submitters, no conflicts (2 of 4 stars). 6 submissions from 6 submitters: Benign (2); Likely benign (4). Last evaluated 2026-02-01.

Conditions:
Peroxisome biogenesis disorder 10A (Zellweger). Also called: Peroxisome biogenesis disorder 10A. Identifiers: Orphanet 912, MedGen C3553999, MONDO:0013948, OMIM 614882.

Allele frequency attached by ClinVar (database versions not stated): gnomAD exomes 0.00058 and 0.00120; ExAC 0.00144; ESP Exome Variant Server 0.00392; gnomAD 0.00411 and 0.00446; TOPMed 0.00495; 1000 Genomes Project 0.00559; 1000 Genomes Project 30x 0.00562.
gnomAD v4.1: 1,512 of 1,610,084 alleles (0.094%); highest among the groups gnomAD compares: African/African-American, 1.2%; 9 homozygotes.

Submissions (6):

CeGaT Center for Human Genetics Tuebingen
Classification: Likely benign. Last evaluated: 2026-02-01. Review status: criteria provided, single submitter. Criteria: CeGaT Center For Human Genetics Tuebingen Variant Classification Criteria Version 2. Collection method: clinical testing. Allele origin: germline. Affected: yes. Observed: 2 variant alleles.
Comment: PEX3: BP4, BS1

Blueprint Genetics
Classification: Likely benign. Last evaluated: 2024-11-25. Review status: criteria provided, single submitter. Criteria: ACMG Guidelines, 2015. Collection method: clinical testing. Allele origin: germline.

Mayo Clinic Laboratories, Mayo Clinic
Classification: Benign. Last evaluated: 2023-11-16. Review status: criteria provided, single submitter. Criteria: ACMG Guidelines, 2015. Collection method: clinical testing. Allele origin: germline. Observed: 7 variant alleles.
Comment: BA1, BP4

Illumina Laboratory Services, Illumina
Classification: Likely benign for Peroxisome biogenesis disorder 10A (Zellweger). Last evaluated: 2018-01-13. Review status: criteria provided, single submitter. Criteria: ICSL Variant Classification Criteria 13 December 2019. Collection method: clinical testing. Allele origin: germline.
Comment: This variant was observed in the ICSL laboratory as part of a predisposition screen in an ostensibly healthy population. It had not been previously curated by ICSL or reported in the Human Gene Mutation Database (HGMD: prior to June 1st, 2018), and was therefore a candidate for classification through an automated scoring system. Utilizing variant allele frequency, disease prevalence and penetrance estimates, and inheritance mode, an automated score was calculated to assess if this variant is too frequent to cause the disease. Based on the score and internal cut-off values, a variant classified as likely benign is not then subjected to further curation. The score for this variant resulted in a classification of likely benign for this disease.

Breakthrough Genomics
Classification: Likely benign. Review status: criteria provided, single submitter. Criteria: ACMG Guidelines, 2015. Collection method: not provided. Allele origin: germline. Inheritance: Autosomal recessive inheritance. Affected: yes.

PreventionGenetics, part of Exact Sciences
Classification: Benign. Review status: criteria provided, single submitter. Criteria: ACMG Guidelines, 2015. Collection method: clinical testing. Allele origin: germline.